The following is an entry in ClinVar:

ClinVar aggregate classification (germline): Uncertain significance (1 of 4 stars; one submission).

Conditions:
Cardiovascular phenotype. Identifiers: MedGen CN230736.

Submission:

Ambry Genetics
Classification: Uncertain significance for Cardiovascular phenotype. Last evaluated: 2021-11-05. Review status: criteria provided, single submitter. Criteria: Ambry Variant Classification Scheme 2023. Collection method: clinical testing. Allele origin: germline.
Comment: The p.Q86K variant (also known as c.256C>A), located in coding exon 1 of the LOX gene, results from a C to A substitution at nucleotide position 256. The glutamine at codon 86 is replaced by lysine, an amino acid with similar properties. This amino acid position is conserved. In addition, this alteration is predicted to be tolerated by in silico analysis. Since supporting evidence is limited at this time, the clinical significance of this alteration remains unclear.

NM_002317.7(LOX):c.256C>A (p.Gln86Lys)

Genes: LOX (lysyl oxidase; minus strand), SRFBP1 (serum response factor binding protein 1; plus strand). Cytogenetic location: 5q23.1.
Variant type: single nucleotide variant.
Coding change: c.256C>A on transcript NM_002317.7 (MANE Select); coding-DNA position 256, C replaced by A.
Protein change: p.Gln86Lys; replaces glutamine 86 with lysine.
Molecular consequence: missense variant.
Genome position (GRCh38, 1-based): chr5:122,077,730, G>T on the plus strand (C>A on the coding strand, the complement: LOX is on the minus strand). VCF-style: chr5-122077730-G-T. GRCh37 (hg19) VCF-style: chr5-121413425-G-T.
Other names: short protein forms Q86K.
Identifiers: ClinVar variation 1793214 (VCV001793214.2), dbSNP rs1283957294, ClinGen allele CA360877273.
Genomic context (GRCh38, chr5:122,077,730, plus strand): 5'-TCCGCGTTCGCGCCGCGGCGGTGCGGTTGTCGCGGATCAGCAGGATCGGAGTGCGGGGCT[G>T]CTGGGCGGAGGCGTTGGCTGCACCAGGGACGGCGGCGCCCGGGTCCCGGCGGCGCTGAGG-3'
Protein context (NP_002308.2, residues 76-96): VPGAANASAQ[Gln86Lys]PRTPILLIRD